The following is an entry in ClinVar:

ClinVar aggregate classification (germline): Conflicting classifications of pathogenicity. Review status: criteria provided, conflicting classifications (1 of 4 stars). 15 submissions from 14 submitters: Uncertain significance (4); Likely benign (8). 3 of the submissions do not count toward it. Last evaluated 2026-09-01.

Conditions:
RYR1-related disorder. Also called: RYR1-related disorders; RYR1-related condition. Identifiers: MedGen CN239331.
Congenital multicore myopathy with external ophthalmoplegia (CMYO1B). Also called: Congenital myopathy 1B, autosomal recessive; Minicore myopathy; MULTICORE MYOPATHY; MULTIMINICORE DISEASE WITH EXTERNAL OPHTHALMOPLEGIA; Minicore myopathy with external ophthalmoplegia. Identifiers: Orphanet 598, Orphanet 98905, MedGen C1850674, MONDO:0009712, OMIM 255320, HP:0003789.
Malignant hyperthermia, susceptibility to, 1 (MHS1). Also called: Malignant hyperthermia suceptibility 1; Anesthesia related hyperthermia; Malignant hyperpyrexia; Fulminating hyperpyrexia; Pharmacogenic myopathy; RYR1-Related Malignant Hyperthermia Susceptibility. Identifiers: Orphanet 423, MedGen C2930980, MONDO:0007783, OMIM 145600.

Allele frequency attached by ClinVar (database versions not stated): ESP Exome Variant Server 0.00031; ExAC 0.00041; TOPMed 0.00043; gnomAD 0.00052 and 0.00057; gnomAD exomes 0.00054.
gnomAD v4.1: 888 of 1,613,862 alleles (0.055%); highest among the groups gnomAD compares: Non-Finnish European, 0.064%; 1 homozygote.

Submissions (15):

CeGaT Center for Human Genetics Tuebingen
Classification: Likely benign. Last evaluated: 2026-09-01. Review status: criteria provided, single submitter. Criteria: CeGaT Center For Human Genetics Tuebingen Variant Classification Criteria Version 2. Collection method: clinical testing. Allele origin: germline. Affected: yes. Observed: 6 variant alleles.
Comment: RYR1: BP4, BP7

Labcorp Genetics (formerly Invitae), Labcorp
Classification: Likely benign for RYR1-related disorder. Last evaluated: 2026-01-29. Review status: criteria provided, single submitter. Criteria: Invitae Variant Classification Sherloc (09022015). Collection method: clinical testing. Allele origin: germline.

Laboratory of Genetics, Children's Clinical University Hospital Latvia
Classification: Likely benign. Last evaluated: 2025-02-16. Review status: criteria provided, single submitter. Criteria: ACMG Guidelines, 2015. Collection method: clinical testing. Allele origin: germline. Affected: yes.

Blueprint Genetics
Classification: Likely benign. Last evaluated: 2024-10-09. Review status: criteria provided, single submitter. Criteria: ACMG Guidelines, 2015. Collection method: clinical testing. Allele origin: germline.

All of Us Research Program, National Institutes of Health
Classification: Likely benign for Malignant hyperthermia, susceptibility to, 1. Last evaluated: 2024-02-05. Review status: criteria provided, single submitter. Criteria: ACMG Guidelines, 2015. Collection method: clinical testing. Allele origin: germline. Inheritance: Autosomal dominant inheritance. Observed: 140 variant alleles, 140 heterozygotes.
Comment: This study involves interpretation of variants in research participants for the purpose of population health screening. Participant phenotype was not available at the time of variant classification. Additional details can be found in publication PMID: 35346344, PMCID: PMC8962531

Color Diagnostics, LLC DBA Color Health
Classification: Likely benign for Malignant hyperthermia, susceptibility to, 1. Last evaluated: 2022-05-03. Review status: criteria provided, single submitter. Criteria: ACMG Guidelines, 2015. Collection method: clinical testing. Allele origin: germline.

Illumina Laboratory Services, Illumina
Classification: Uncertain significance for Congenital multicore myopathy with external ophthalmoplegia. Last evaluated: 2018-01-12. Review status: criteria provided, single submitter. Criteria: ICSL Variant Classification Criteria 13 December 2019. Collection method: clinical testing. Allele origin: germline.

Illumina Laboratory Services, Illumina
Classification: Uncertain significance for Malignant hyperthermia, susceptibility to, 1. Last evaluated: 2018-01-12. Review status: criteria provided, single submitter. Criteria: ICSL Variant Classification Criteria 13 December 2019. Collection method: clinical testing. Allele origin: germline.

Eurofins Ntd Llc (ga)
Classification: Uncertain significance. Last evaluated: 2017-11-01. Review status: criteria provided, single submitter. Criteria: EGL Classification Definitions 2015. Collection method: clinical testing. Allele origin: germline. Observed: 1 variant allele, 1 heterozygote.

GeneDx
Classification: Likely benign. Last evaluated: 2016-02-11. Review status: criteria provided, single submitter. Criteria: GeneDx Variant Classification (06012015). Collection method: clinical testing. Allele origin: germline. Affected: yes.
Comment: This variant is considered likely benign or benign based on one or more of the following criteria: it is a conservative change, it occurs at a poorly conserved position in the protein, it is predicted to be benign by multiple in silico algorithms, and/or has population frequency not consistent with disease.

Genetic Services Laboratory, University of Chicago
Classification: Uncertain significance. Last evaluated: 2013-08-23. Review status: criteria provided, single submitter. Criteria: ACMG Guidelines, 2007. Collection method: clinical testing. Allele origin: germline. Inheritance: Autosomal unknown.

PreventionGenetics, part of Exact Sciences
Classification: Likely benign. Review status: criteria provided, single submitter. Criteria: ACMG Guidelines, 2015. Collection method: clinical testing. Allele origin: germline.

Clinical Genetics DNA and cytogenetics Diagnostics Lab, Erasmus MC, Erasmus Medical Center
Classification: Likely benign. Review status: no assertion criteria provided. Collection method: clinical testing. Allele origin: germline. Affected: yes. Study: VKGL Data-share Consensus. Not counted in ClinVar's aggregate classification.

Genome Diagnostics Laboratory, University Medical Center Utrecht
Classification: Likely benign. Review status: no assertion criteria provided. Collection method: clinical testing. Allele origin: germline. Affected: yes. Study: VKGL Data-share Consensus. Not counted in ClinVar's aggregate classification.

Joint Genome Diagnostic Labs from Nijmegen and Maastricht, Radboudumc and MUMC+
Classification: Likely benign. Review status: no assertion criteria provided. Collection method: clinical testing. Allele origin: germline. Affected: yes. Study: VKGL Data-share Consensus. Not counted in ClinVar's aggregate classification.

NM_000540.3(RYR1):c.2091C>T (p.Ala697=)

Gene: RYR1 (ryanodine receptor 1; plus strand). Cytogenetic location: 19q13.2.
Variant type: single nucleotide variant.
Coding change: c.2091C>T on transcript NM_000540.3 (MANE Select); coding-DNA position 2091, C replaced by T.
Protein change: p.Ala697=; no amino-acid change (alanine 697 retained).
Molecular consequence: synonymous variant.
Genome position (GRCh38, 1-based): chr19:38,458,216, C>T. VCF-style: chr19-38458216-C-T. GRCh37 (hg19) VCF-style: chr19-38948856-C-T.
Other names: c.2091C>T, p.Ala697= (NM_001042723.2).
Identifiers: ClinVar variation 159839 (VCV000159839.76), dbSNP rs138704724, ClinGen allele CA024325.
Genomic context (GRCh38, chr19:38,458,216, plus strand): 5'-GGCCACCCACTTGCGGGTGGGCTGGGCCCTCACCGAGGGCTACACCCCCTACCCTGGGGC[C>T]GGCGAGGGCTGGGGCGGCAACGGGGTCGGCGATGACCTCTATTCCTACGGCTTTGATGGA-3'
Protein context (NP_000531.2, residues 687-707): LTEGYTPYPG[Ala697=]GEGWGGNGVG